The following is an entry in ClinVar:

NM_001122955.4(BSCL2):c.631-5G>A

Genes: BSCL2 (BSCL2 lipid droplet biogenesis associated, seipin; minus strand), HNRNPUL2-BSCL2 (HNRNPUL2-BSCL2 readthrough (NMD candidate); minus strand). Cytogenetic location: 11q12.3.
Variant type: single nucleotide variant.
Coding change: c.631-5G>A on transcript NM_001122955.4 (MANE Select); 5 bases into the intron before coding-DNA position 631, G replaced by A.
Molecular consequence: intron variant.
Genome position (GRCh38, 1-based): chr11:62,692,802, C>T on the plus strand (G>A on the coding strand, the complement: BSCL2 is on the minus strand). VCF-style: chr11-62692802-C-T. GRCh37 (hg19) VCF-style: chr11-62460274-C-T.
Other names: c.439-5G>A (NM_001130702.2, NM_032667.6); c.631-5G>A (NM_001386028.1, NM_001386027.1).
Identifiers: ClinVar variation 2113435 (VCV002113435.4), dbSNP rs1565144833, ClinGen allele CA2574850555.

ClinVar aggregate classification (germline): Uncertain significance (1 of 4 stars; one submission).

Conditions:
Charcot-Marie-Tooth disease type 2. Also called: Charcot-Marie-Tooth type 2. Identifiers: Orphanet 64746, MedGen C0270914, MONDO:0018993.

gnomAD v4.1: 1 of 1,612,898 alleles (0.000062%); highest among the groups gnomAD compares: Non-Finnish European, 0.000085%; no homozygotes.

Submission:

Labcorp Genetics (formerly Invitae), Labcorp
Classification: Uncertain significance for Charcot-Marie-Tooth disease type 2. Last evaluated: 2022-10-11. Review status: criteria provided, single submitter. Criteria: Invitae Variant Classification Sherloc (09022015). Collection method: clinical testing. Allele origin: germline.
Comment: Algorithms developed to predict the effect of sequence changes on RNA splicing suggest that this variant may create or strengthen a splice site. In summary, the available evidence is currently insufficient to determine the role of this variant in disease. Therefore, it has been classified as a Variant of Uncertain Significance. This variant has not been reported in the literature in individuals affected with BSCL2-related conditions. This sequence change falls in intron 4 of the BSCL2 gene. It does not directly change the encoded amino acid sequence of the BSCL2 protein. This variant is not present in population databases (gnomAD no frequency).